The following is an entry in ClinVar:

ClinVar aggregate classification (germline): Uncertain significance (1 of 4 stars; one submission).

Conditions:
Bethlem myopathy 1A. Also called: MYOPATHY, BENIGN CONGENITAL, WITH CONTRACTURES; Bethlem myopathy 1; Bethlem Muscular Dystrophy. Identifiers: Orphanet 610, MedGen CN029274, MONDO:0024530, OMIM 158810.

Submission:

Labcorp Genetics (formerly Invitae), Labcorp
Classification: Uncertain significance for Bethlem myopathy 1A. Last evaluated: 2025-12-22. Review status: criteria provided, single submitter. Criteria: Invitae Variant Classification Sherloc (09022015). Collection method: clinical testing. Allele origin: germline.
Comment: This sequence change replaces glycine, which is neutral and non-polar, with alanine, which is neutral and non-polar, at codon 410 of the COL6A1 protein (p.Gly410Ala). This variant is not present in population databases (gnomAD no frequency). This variant has not been reported in the literature in individuals affected with COL6A1-related conditions. Invitae Evidence Modeling of protein sequence and biophysical properties (such as structural, functional, and spatial information, amino acid conservation, physicochemical variation, residue mobility, and thermodynamic stability) indicates that this missense variant is not expected to disrupt COL6A1 protein function with a negative predictive value of 80%. This variant disrupts the triple helix domain of COL6A1. Glycine residues within the Gly-Xaa-Yaa repeats of the triple helix domain are required for the structure and stability of fibrillar collagens (PMID: 7695699, 8218237, 19344236). In COL6A1, variants at these glycine residues are significantly enriched in individuals with autosomal dominant disease (PMID: 15689448, 24038877) compared to the general population (ExAC). In summary, the available evidence is currently insufficient to determine the role of this variant in disease. Therefore, it has been classified as a Variant of Uncertain Significance.

Literature cited by the submitters: PubMed 7695699; PubMed 8218237; PubMed 19344236; PubMed 15689448; PubMed 24038877.

NM_001848.3(COL6A1):c.1229G>C (p.Gly410Ala)

Gene: COL6A1 (collagen type VI alpha 1 chain; plus strand). Cytogenetic location: 21q22.3.
Variant type: single nucleotide variant.
Coding change: c.1229G>C on transcript NM_001848.3 (MANE Select); coding-DNA position 1229, G replaced by C.
Protein change: p.Gly410Ala; replaces glycine 410 with alanine.
Molecular consequence: missense variant.
Genome position (GRCh38, 1-based): chr21:45,992,210, G>C. VCF-style: chr21-45992210-G-C. GRCh37 (hg19) VCF-style: chr21-47412124-G-C.
Other names: short protein forms G410A.
Identifiers: ClinVar variation 4697789 (VCV004697789.1).